The following is an entry in ClinVar:

NM_001162383.2(ARHGEF2):c.2004G>A (p.Leu668=)

Gene: ARHGEF2 (Rho/Rac guanine nucleotide exchange factor 2; minus strand). Cytogenetic location: 1q22.
Variant type: single nucleotide variant.
Coding change: c.2004G>A on transcript NM_001162383.2 (MANE Select); coding-DNA position 2004, G replaced by A.
Protein change: p.Leu668=; no amino-acid change (leucine 668 retained).
Molecular consequence: synonymous variant.
Genome position (GRCh38, 1-based): chr1:155,952,216, C>T on the plus strand (G>A on the coding strand, the complement: ARHGEF2 is on the minus strand). VCF-style: chr1-155952216-C-T. GRCh37 (hg19) VCF-style: chr1-155922007-C-T.
Other names: c.2001G>A, p.Leu667= (NM_001162384.2); c.1923G>A, p.Leu641= (NM_001350110.2, NM_001350111.2); c.1950G>A, p.Leu650= (NM_001350112.2); c.1920G>A, p.Leu640= (NM_004723.4).
Identifiers: ClinVar variation 3045372 (VCV003045372.2), dbSNP rs1400224848, ClinGen allele CA421067044.

ClinVar aggregate classification (germline): Likely benign (0 of 4 stars; one submission).

Conditions:
ARHGEF2-related disorder. Also called: ARHGEF2-related condition.

Allele frequency attached by ClinVar (database versions not stated): gnomAD exomes 0.00001.
gnomAD v4.1: 3 of 1,614,152 alleles (0.00019%); highest among the groups gnomAD compares: African/African-American, 0.0027%; no homozygotes.

Submission:

PreventionGenetics, part of Exact Sciences
Classification: Likely benign for ARHGEF2-related condition. Last evaluated: 2019-11-14. Review status: no assertion criteria provided. Collection method: clinical testing. Allele origin: germline.
Comment: This variant is classified as likely benign based on ACMG/AMP sequence variant interpretation guidelines (Richards et al. 2015 PMID: 25741868, with internal and published modifications).